The following is an entry in ClinVar:

NM_000814.6(GABRB3):c.845C>T (p.Thr282Ile)

Gene: GABRB3 (gamma-aminobutyric acid type A receptor subunit beta3; minus strand). Cytogenetic location: 15q12.
Variant type: single nucleotide variant.
Coding change: c.845C>T on transcript NM_000814.6 (MANE Select); coding-DNA position 845, C replaced by T.
Protein change: p.Thr282Ile; replaces threonine 282 with isoleucine.
Molecular consequence: missense variant.
Genome position (GRCh38, 1-based): chr15:26,561,167, G>A on the plus strand (C>T on the coding strand, the complement: GABRB3 is on the minus strand). VCF-style: chr15-26561167-G-A. GRCh37 (hg19) VCF-style: chr15-26806314-G-A.
Other names: c.590C>T, p.Thr197Ile (NM_001191320.2, NM_001278631.2); c.632C>T, p.Thr211Ile (NM_001191321.3); c.845C>T, p.Thr282Ile (NM_021912.5); c.845C>T (NM_000814.5); short protein forms T197I, T211I, T282I.
Identifiers: ClinVar variation 2946393 (VCV002946393.4), dbSNP rs2504153982, ClinGen allele CA391462360.

ClinVar aggregate classification (germline): Uncertain significance. Review status: criteria provided, multiple submitters, no conflicts (2 of 4 stars). 2 submissions from 2 submitters: Uncertain significance (2). Last evaluated 2026-04-13.

Conditions:
Epilepsy, childhood absence, susceptibility to, 5. Identifiers: Orphanet 64280, MedGen C2677087, MONDO:0012843, OMIM 612269.
Epilepsy, childhood absence, susceptibility to, 1. Also called: Epilepsy, childhood absence 1. Identifiers: Orphanet 64280, MedGen C1838604, MONDO:0020759, OMIM 600131.

Submissions (2):

GeneDx
Classification: Uncertain significance. Last evaluated: 2026-04-13. Review status: criteria provided, single submitter. Criteria: GeneDx Variant Classification Process June 2021. Collection method: clinical testing. Allele origin: germline.
Comment: Not observed at significant frequency in large population cohorts (gnomAD); In silico analysis supports that this missense variant has a deleterious effect on protein structure/function; Has not been previously published as pathogenic or benign to our knowledge

Labcorp Genetics (formerly Invitae), Labcorp
Classification: Uncertain significance for Epilepsy, childhood absence, susceptibility to, 5; Epilepsy, childhood absence, susceptibility to, 1. Last evaluated: 2023-08-17. Review status: criteria provided, single submitter. Criteria: Invitae Variant Classification Sherloc (09022015). Collection method: clinical testing. Allele origin: germline.
Comment: This sequence change replaces threonine, which is neutral and polar, with isoleucine, which is neutral and non-polar, at codon 282 of the GABRB3 protein (p.Thr282Ile). This variant is not present in population databases (gnomAD no frequency). This variant has not been reported in the literature in individuals affected with GABRB3-related conditions. Advanced modeling of protein sequence and biophysical properties (such as structural, functional, and spatial information, amino acid conservation, physicochemical variation, residue mobility, and thermodynamic stability) performed at Invitae indicates that this missense variant is expected to disrupt GABRB3 protein function. In summary, the available evidence is currently insufficient to determine the role of this variant in disease. Therefore, it has been classified as a Variant of Uncertain Significance.